The following is an entry in ClinVar:

NM_000051.4(ATM):c.1086A>T (p.Arg362Ser)

Gene: ATM (ATM serine/threonine kinase; plus strand). Cytogenetic location: 11q22.3.
Variant type: single nucleotide variant.
Coding change: c.1086A>T on transcript NM_000051.4 (MANE Select); coding-DNA position 1086, A replaced by T.
Protein change: p.Arg362Ser; replaces arginine 362 with serine.
Molecular consequence: missense variant.
Genome position (GRCh38, 1-based): chr11:108,248,953, A>T. VCF-style: chr11-108248953-A-T. GRCh37 (hg19) VCF-style: chr11-108119680-A-T.
Other names: c.1086A>T, p.Arg362Ser (NM_001351834.2); short protein forms R362S.
Identifiers: ClinVar variation 489509 (VCV000489509.6), dbSNP rs142591268, ClinGen allele CA228389691.

ClinVar aggregate classification (germline): Uncertain significance (1 of 4 stars; one submission).

Conditions:
Hereditary cancer-predisposing syndrome. Also called: Hereditary Cancer Syndrome; Neoplastic Syndromes, Hereditary; Tumor predisposition; Hereditary neoplastic syndrome. Identifiers: Orphanet 140162, MedGen C0027672, MeSH D009386, MONDO:0015356.

Submission:

Color Diagnostics, LLC DBA Color Health
Classification: Uncertain significance for Hereditary cancer-predisposing syndrome. Last evaluated: 2023-12-05. Review status: criteria provided, single submitter. Criteria: ACMG Guidelines, 2015. Collection method: clinical testing. Allele origin: germline.
Comment: This missense variant replaces arginine with serine at codon 362 of the ATM protein. Computational prediction suggests that this variant may not impact protein structure and function (internally defined REVEL score threshold <= 0.5, PMID: 27666373). To our knowledge, functional studies have not been reported for this variant. This variant has not been reported in individuals affected with ATM-related disorders in the literature. This variant has not been identified in the general population by the Genome Aggregation Database (gnomAD). The available evidence is insufficient to determine the role of this variant in disease conclusively. Therefore, this variant is classified as a Variant of Uncertain Significance.